The following is an entry in ClinVar:

ClinVar aggregate classification (germline): Uncertain significance (1 of 4 stars; one submission).

Conditions:
Inborn genetic diseases. Identifiers: MedGen C0950123, MeSH D030342.

Allele frequency attached by ClinVar (database versions not stated): ExAC 0.00001; gnomAD exomes 0.00001.
gnomAD v4.1: 3 of 1,614,046 alleles (0.00019%); highest among the groups gnomAD compares: South Asian, 0.0033%; no homozygotes.

Submission:

Ambry Genetics
Classification: Uncertain significance for Inborn genetic diseases. Last evaluated: 2024-02-28. Review status: criteria provided, single submitter. Criteria: Ambry Variant Classification Scheme 2023. Collection method: clinical testing. Allele origin: germline.
Comment: The p.S421N variant (also known as c.1262G>A), located in coding exon 5 of the ATR gene, results from a G to A substitution at nucleotide position 1262. The serine at codon 421 is replaced by asparagine, an amino acid with highly similar properties. This amino acid position is conserved. In addition, this alteration is predicted to be tolerated by in silico analysis. Based on the available evidence, the clinical significance of this alteration remains unclear.

NM_001184.4(ATR):c.1262G>A (p.Ser421Asn)

Gene: ATR (ATR checkpoint kinase; minus strand). Cytogenetic location: 3q23.
Variant type: single nucleotide variant.
Coding change: c.1262G>A on transcript NM_001184.4 (MANE Select); coding-DNA position 1262, G replaced by A.
Protein change: p.Ser421Asn; replaces serine 421 with asparagine.
Molecular consequence: missense variant.
Genome position (GRCh38, 1-based): chr3:142,561,330, C>T on the plus strand (G>A on the coding strand, the complement: ATR is on the minus strand). VCF-style: chr3-142561330-C-T. GRCh37 (hg19) VCF-style: chr3-142280172-C-T.
Other names: c.1262G>A, p.Ser421Asn (NM_001354579.2); short protein forms S421N.
Identifiers: ClinVar variation 3221041 (VCV003221041.1), dbSNP rs780461293, ClinGen allele CA2650641.